The following is an entry in ClinVar:

NM_000070.3(CAPN3):c.2256C>A (p.Asn752Lys)

Gene: CAPN3 (calpain 3; plus strand). Cytogenetic location: 15q15.1.
Variant type: single nucleotide variant.
Coding change: c.2256C>A on transcript NM_000070.3 (MANE Select); coding-DNA position 2256, C replaced by A.
Protein change: p.Asn752Lys; replaces asparagine 752 with lysine.
Molecular consequence: missense variant.
Genome position (GRCh38, 1-based): chr15:42,410,659, C>A. VCF-style: chr15-42410659-C-A. GRCh37 (hg19) VCF-style: chr15-42702857-C-A.
Other names: c.2238C>A, p.Asn746Lys (NM_024344.2); c.1980C>A, p.Asn660Lys (NM_173087.2); c.720C>A, p.Asn240Lys (NM_173088.2); c.261C>A, p.Asn87Lys (NM_173089.2, NM_173090.2); short protein forms N660K, N746K, N752K, N240K, N87K.
Identifiers: ClinVar variation 4744012 (VCV004744012.1).

ClinVar aggregate classification (germline): Uncertain significance (1 of 4 stars; one submission).

Conditions:
Autosomal recessive limb-girdle muscular dystrophy type 2A (LGMDR1). Also called: Muscular dystrophy, limb-girdle, type 2A, Amish; LEYDEN-MOEBIUS MUSCULAR DYSTROPHY; MUSCULAR DYSTROPHY, PELVOFEMORAL; Limb-girdle muscular dystrophy, type 2A; Calpainopathy. Identifiers: Orphanet 267, MedGen C1869123, MONDO:0009675, OMIM 253600. Disease mechanism: loss of function.

gnomAD v4.1: 6 of 1,613,126 alleles (0.00037%); highest among the groups gnomAD compares: Non-Finnish European, 0.00051%; no homozygotes.

Submission:

Labcorp Genetics (formerly Invitae), Labcorp
Classification: Uncertain significance for Autosomal recessive limb-girdle muscular dystrophy type 2A. Last evaluated: 2025-08-30. Review status: criteria provided, single submitter. Criteria: Invitae Variant Classification Sherloc (09022015). Collection method: clinical testing. Allele origin: germline.
Comment: This sequence change replaces asparagine, which is neutral and polar, with lysine, which is basic and polar, at codon 752 of the CAPN3 protein (p.Asn752Lys). This variant is present in population databases (rs11557721, gnomAD 0.0009%). This variant has not been reported in the literature in individuals affected with CAPN3-related conditions. Invitae Evidence Modeling of protein sequence and biophysical properties (such as structural, functional, and spatial information, amino acid conservation, physicochemical variation, residue mobility, and thermodynamic stability) indicates that this missense variant is not expected to disrupt CAPN3 protein function with a negative predictive value of 80%. In summary, the available evidence is currently insufficient to determine the role of this variant in disease. Therefore, it has been classified as a Variant of Uncertain Significance.